The following is an entry in ClinVar:

ClinVar aggregate classification (germline): Likely benign. Review status: criteria provided, multiple submitters, no conflicts (2 of 4 stars). 3 submissions from 3 submitters: Likely benign (2). 1 of the submissions does not count toward it. Last evaluated 2024-11-22.

Conditions:
TSHZ1-related disorder. Also called: TSHZ1-related condition.

Allele frequency attached by ClinVar (database versions not stated): gnomAD 0.00025; gnomAD exomes 0.00029; ESP Exome Variant Server 0.00031; TOPMed 0.00031; ExAC 0.00032.
gnomAD v4.1: 465 of 1,614,056 alleles (0.029%); highest among the groups gnomAD compares: Middle Eastern, 0.099%; no homozygotes.

Submissions (3):

Blueprint Genetics
Classification: Likely benign. Last evaluated: 2024-11-22. Review status: criteria provided, single submitter. Criteria: ACMG Guidelines, 2015. Collection method: clinical testing. Allele origin: germline.

CeGaT Center for Human Genetics Tuebingen
Classification: Likely benign. Last evaluated: 2023-10-01. Review status: criteria provided, single submitter. Criteria: CeGaT Center For Human Genetics Tuebingen Variant Classification Criteria Version 2. Collection method: clinical testing. Allele origin: germline. Affected: yes. Observed: 1 variant allele.
Comment: TSHZ1: BP4, BS1

PreventionGenetics, part of Exact Sciences
Classification: Likely benign for TSHZ1-related condition. Last evaluated: 2020-03-09. Review status: no assertion criteria provided. Collection method: clinical testing. Allele origin: germline. Not counted in ClinVar's aggregate classification.
Comment: This variant is classified as likely benign based on ACMG/AMP sequence variant interpretation guidelines (Richards et al. 2015 PMID: 25741868, with internal and published modifications).

NM_001308210.2(TSHZ1):c.2470G>A (p.Val824Met)

Gene: TSHZ1 (teashirt zinc finger homeobox 1; plus strand). Cytogenetic location: 18q22.3.
Variant type: single nucleotide variant.
Coding change: c.2470G>A on transcript NM_001308210.2 (MANE Select); coding-DNA position 2470, G replaced by A.
Protein change: p.Val824Met; replaces valine 824 with methionine.
Molecular consequence: missense variant.
Genome position (GRCh38, 1-based): chr18:75,287,877, G>A. VCF-style: chr18-75287877-G-A. GRCh37 (hg19) VCF-style: chr18-72999832-G-A.
Other names: c.2335G>A (NM_005786.5); c.2335G>A, p.Val779Met (NM_005786.6); short protein forms V779M, V824M.
Identifiers: ClinVar variation 2648814 (VCV002648814.26), dbSNP rs149224107, ClinGen allele CA9002294.